The following is an entry in ClinVar:

NM_018406.7(MUC4):c.378T>C (p.Ser126=)

Gene: MUC4 (mucin 4, cell surface associated). Cytogenetic location: 3q29.
Variant type: single nucleotide variant.
Coding change: c.378T>C on transcript NM_018406.7 (MANE Select); coding-DNA position 378, T replaced by C.
Protein change: p.Ser126=; no amino-acid change (serine 126 retained).
Molecular consequence: synonymous variant. On other transcripts: genic upstream transcript variant (2).
Genome position (GRCh38, 1-based): chr3:195,791,202, A>G on the plus strand (T>C on the coding strand, the complement: MUC4 is on the minus strand). VCF-style: chr3-195791202-A-G. GRCh37 (hg19) VCF-style: chr3-195518073-A-G.
Other names: c.393T>C, p.Ser131= (NM_001322468.1); c.83-16897T>C (NM_138297.5); c.83-12747T>C (NM_004532.6).
Identifiers: ClinVar variation 2654495 (VCV002654495.24), dbSNP rs1257292020, ClinGen allele CA438032630.

ClinVar aggregate classification (germline): Likely benign (1 of 4 stars; one submission).

Allele frequency attached by ClinVar (database versions not stated): gnomAD exomes below 0.00001.
gnomAD v4.1: 6 of 1,613,248 alleles (0.00037%); highest among the groups gnomAD compares: Non-Finnish European, 0.00042%; no homozygotes.

Submission:

CeGaT Center for Human Genetics Tuebingen
Classification: Likely benign. Last evaluated: 2022-08-01. Review status: criteria provided, single submitter. Criteria: CeGaT Center For Human Genetics Tuebingen Variant Classification Criteria Version 2. Collection method: clinical testing. Allele origin: germline. Affected: yes. Observed: 1 variant allele.
Comment: MUC4: BP4, BP7